The following is an entry in ClinVar:

NM_000444.6(PHEX):c.1589G>A (p.Trp530Ter)

Gene: PHEX (phosphate regulating endopeptidase X-linked; plus strand). Cytogenetic location: Xp22.11.
Variant type: single nucleotide variant.
Coding change: c.1589G>A on transcript NM_000444.6 (MANE Select); coding-DNA position 1589, G replaced by A.
Protein change: p.Trp530Ter; replaces tryptophan 530 with a stop codon.
Molecular consequence: nonsense.
Genome position (GRCh38, 1-based): chrX:22,190,446, G>A. VCF-style: chrX-22190446-G-A. GRCh37 (hg19) VCF-style: chrX-22208563-G-A.
Other names: c.1589G>A, p.Trp530Ter (NM_001282754.2); short protein forms W530*.
Identifiers: ClinVar variation 36674 (VCV000036674.9), dbSNP rs193922455, ClinGen allele CA260502.

ClinVar aggregate classification (germline): Pathogenic/Likely pathogenic. Review status: criteria provided, multiple submitters, no conflicts (2 of 4 stars). 2 submissions from 2 submitters: Pathogenic (1); Likely pathogenic (1). Last evaluated 2021-10-08.

Conditions:
Familial X-linked hypophosphatemic vitamin D refractory rickets (XLHRD). Also called: X-Linked Hypophosphatemia; Hypophosphatemic Rickets, X-Linked Dominant; HYPOPHOSPHATEMIC VITAMIN D-RESISTANT RICKETS; Hypophosphatemia, vitamin D-resistant rickets; Vitamin D-resistant rickets, X-linked. Identifiers: Orphanet 89936, MedGen C0733682, MONDO:0010619, OMIM 307800.

Submissions (2):

Labcorp Genetics (formerly Invitae), Labcorp
Classification: Pathogenic. Last evaluated: 2021-10-08. Review status: criteria provided, single submitter. Criteria: Invitae Variant Classification Sherloc (09022015). Collection method: clinical testing. Allele origin: germline.
Comment: For these reasons, this variant has been classified as Pathogenic. Algorithms developed to predict the effect of sequence changes on RNA splicing suggest that this variant may create or strengthen a splice site. ClinVar contains an entry for this variant (Variation ID: 36674). This premature translational stop signal has been observed in individual(s) with hypophosphatemia (PMID: 30682568). This variant is not present in population databases (ExAC no frequency). This sequence change creates a premature translational stop signal (p.Trp530*) in the PHEX gene. It is expected to result in an absent or disrupted protein product. Loss-of-function variants in PHEX are known to be pathogenic (PMID: 9097956, 9106524, 19219621).

Women's Health and Genetics/Laboratory Corporation of America, LabCorp
Classification: Likely pathogenic for X-linked Hypophosphatemic Rickets. Last evaluated: 2011-08-18. Review status: criteria provided, single submitter. Criteria: LabCorp Variant Classification Summary - May 2015. Collection method: curation, clinical testing. Allele origin: germline. Inheritance: Xlinked unknown. Affected: yes.
ClinVar note: Converted during submission from likely pathogenic to Likely pathogenic.

Literature cited by the submitters: PubMed 30682568 (cited by Labcorp Genetics (formerly Invitae), Labcorp); PubMed 9097956 (cited by Labcorp Genetics (formerly Invitae), Labcorp); PubMed 9106524 (cited by Labcorp Genetics (formerly Invitae), Labcorp); PubMed 19219621 (cited by Labcorp Genetics (formerly Invitae), Labcorp).